The following is an entry in ClinVar:

ClinVar aggregate classification (germline): Uncertain significance (1 of 4 stars; one submission).

Conditions:
SYNE1-related disorder. Also called: SYNE1-related disease; SYNE1-related condition; SYNE1-related disorders.

Submission:

PreventionGenetics, part of Exact Sciences
Classification: Uncertain significance for SYNE1-related condition. Last evaluated: 2023-07-31. Review status: criteria provided, single submitter. Criteria: ACMG Guidelines, 2015. Collection method: clinical testing. Allele origin: germline.
Comment: The SYNE1 c.6280T>A variant is predicted to result in the amino acid substitution p.Leu2094Ile. To our knowledge, this variant has not been reported in the literature or in a large population database, indicating this variant is rare. At this time, the clinical significance of this variant is uncertain due to the absence of conclusive functional and genetic evidence.

NM_182961.4(SYNE1):c.6259T>A (p.Leu2087Ile)

Gene: SYNE1 (spectrin repeat containing nuclear envelope protein 1; minus strand). Cytogenetic location: 6q25.2.
Variant type: single nucleotide variant.
Coding change: c.6259T>A on transcript NM_182961.4 (MANE Select); coding-DNA position 6259, T replaced by A.
Protein change: p.Leu2087Ile; replaces leucine 2087 with isoleucine.
Molecular consequence: missense variant.
Genome position (GRCh38, 1-based): chr6:152,409,681, A>T on the plus strand (T>A on the coding strand, the complement: SYNE1 is on the minus strand). VCF-style: chr6-152409681-A-T. GRCh37 (hg19) VCF-style: chr6-152730816-A-T.
Other names: c.6280T>A, p.Leu2094Ile (NM_033071.5); short protein forms L2087I, L2094I.
Identifiers: ClinVar variation 2629181 (VCV002629181.1), dbSNP rs2495794978, ClinGen allele CA366127723.